The following is an entry in ClinVar:

NM_004304.5(ALK):c.4100_4106del (p.Gln1367fs)

Gene: ALK (ALK receptor tyrosine kinase; minus strand). Cytogenetic location: 2p23.2.
Variant type: Deletion.
Coding change: c.4100_4106del on transcript NM_004304.5 (MANE Select); coding-DNA positions 4100 to 4106, 7 bases deleted (AACATCA; older notation c.4100_4106delAACATCA).
Protein change: p.Gln1367fs; shifts the reading frame from glutamine 1367.
Molecular consequence: frameshift variant.
Genome position (GRCh38, 1-based): chr2:29,196,828-29,196,834, TGATGTT deleted on the plus strand (AACATCA on the coding strand, the reverse complement: ALK is on the minus strand). VCF-style (leftmost placement, unchanged base first): chr2-29196827-CTGATGTT-C. GRCh37 (hg19) VCF-style: chr2-29419693-CTGATGTT-C.
Other names: c.896_902del, p.Gln299fs (NM_001353765.2); c.4100_4106delAACATCA (NM_004304.4); short protein forms Q299fs, Q1367fs.
Identifiers: ClinVar variation 859530 (VCV000859530.10), dbSNP rs1370805516, ClinGen allele CA531464394.

ClinVar aggregate classification (germline): Uncertain significance. Review status: criteria provided, multiple submitters, no conflicts (2 of 4 stars). 2 submissions from 2 submitters: Uncertain significance (2). Last evaluated 2026-09-03.

Conditions:
Hereditary cancer-predisposing syndrome. Also called: Tumor predisposition; Hereditary neoplastic syndrome; Neoplastic Syndromes, Hereditary; Hereditary Cancer Syndrome. Identifiers: Orphanet 140162, MedGen C0027672, MeSH D009386, MONDO:0015356.
Neuroblastoma, susceptibility to, 3. Also called: ALK-Related Neuroblastic Tumor Susceptibility. Identifiers: Orphanet 635, MedGen C2751681, MONDO:0013083, OMIM 613014.

Allele frequency attached by ClinVar (database versions not stated): gnomAD exomes below 0.00001.

Submissions (2):

Ambry Genetics
Classification: Uncertain significance for Hereditary cancer-predisposing syndrome. Last evaluated: 2026-09-03. Review status: criteria provided, single submitter. Criteria: Ambry Variant Classification Scheme 2023. Collection method: clinical testing. Allele origin: germline.
Comment: The c.4100_4106delAACATCA variant, located in coding exon 28 of the ALK gene, results from a deletion of 7 nucleotides at nucleotide positions 4100 to 4106, causing a translational frameshift with a predicted alternate stop codon (p.Q1367Rfs*24). This variant occurs at the 3' terminus of the gene, is not expected to trigger nonsense-mediated mRNA decay, and loss of function has not been established as a mechanism of disease. Based on the available evidence, the clinical significance of this variant remains unclear.

Labcorp Genetics (formerly Invitae), Labcorp
Classification: Uncertain significance for Neuroblastoma, susceptibility to, 3. Last evaluated: 2024-11-04. Review status: criteria provided, single submitter. Criteria: Invitae Variant Classification Sherloc (09022015). Collection method: clinical testing. Allele origin: germline.
Comment: This sequence change creates a premature translational stop signal (p.Gln1367Argfs*24) in the ALK gene. While this is not anticipated to result in nonsense mediated decay, it is expected to disrupt the last 254 amino acid(s) of the ALK protein. This variant is present in population databases (no rsID available, gnomAD 0.003%). This variant has not been reported in the literature in individuals affected with ALK-related conditions. ClinVar contains an entry for this variant (Variation ID: 859530). Experimental studies and prediction algorithms are not available or were not evaluated, and the functional significance of this variant is currently unknown. In summary, the available evidence is currently insufficient to determine the role of this variant in disease. Therefore, it has been classified as a Variant of Uncertain Significance.